The following is an entry in ClinVar:

ClinVar aggregate classification (germline): Likely pathogenic. Review status: criteria provided, multiple submitters, no conflicts (2 of 4 stars). 4 submissions from 4 submitters: Likely pathogenic (3). 1 of the submissions does not count toward it. Last evaluated 2026-02-28.

Conditions:
Smith-Lemli-Opitz syndrome (SLOS). Also called: POLYDACTYLY, SEX REVERSAL, RENAL HYPOPLASIA, AND UNILOBAR LUNG; RSH SYNDROME; RUTLEDGE LETHAL MULTIPLE CONGENITAL ANOMALY SYNDROME; 7-Dehydrocholesterol reductase deficiency; LETHAL ACRODYSGENITAL SYNDROME. Identifiers: Orphanet 818, MedGen C0175694, MONDO:0010035, OMIM 270400.

gnomAD v4.1: 7 of 1,609,664 alleles (0.00043%); highest among the groups gnomAD compares: Non-Finnish European, 0.00051%; no homozygotes.

Submissions (4):

GeneDx
Classification: Likely pathogenic. Last evaluated: 2026-02-28. Review status: criteria provided, single submitter. Criteria: GeneDx Variant Classification Process June 2021. Collection method: clinical testing. Allele origin: germline.
Comment: Not observed at significant frequency in large population cohorts (gnomAD); In silico analysis supports that this missense variant has a deleterious effect on protein structure/function; Has not been previously published as pathogenic or benign to our knowledge

North West Genomic Laboratory Hub, Manchester University NHS Foundation Trust
Classification: Likely pathogenic for Smith-Lemli-Opitz syndrome. Last evaluated: 2024-05-28. Review status: criteria provided, single submitter. Criteria: ACGS Best Practice Guidelines for Variant Classification in Rare Disease 2020. Collection method: clinical testing. Allele origin: germline. Affected: yes.
Comment: PM2_Mod PM5_Mod PM3_Mod PP3_Supp PP4_Supp

Labcorp Genetics (formerly Invitae), Labcorp
Classification: Likely pathogenic for Smith-Lemli-Opitz syndrome. Last evaluated: 2020-11-13. Review status: criteria provided, single submitter. Criteria: Invitae Variant Classification Sherloc (09022015). Collection method: clinical testing. Allele origin: germline.
Comment: This sequence change replaces arginine with glycine at codon 404 of the DHCR7 protein (p.Arg404Gly). The arginine residue is highly conserved and there is a moderate physicochemical difference between arginine and glycine. This variant is not present in population databases (ExAC no frequency). This variant has not been reported in the literature in individuals with DHCR7-related conditions. ClinVar contains an entry for this variant (Variation ID: 558447). Advanced modeling of protein sequence and biophysical properties (such as structural, functional, and spatial information, amino acid conservation, physicochemical variation, residue mobility, and thermodynamic stability) performed at Invitae indicates that this missense variant is expected to disrupt DHCR7 protein function. This variant disrupts the p.Arg404 amino acid residue in DHCR7. Other variant(s) that disrupt this residue have been determined to be pathogenic (PMID: 15896653, 9653161, 12818773, 10677299). This suggests that this residue is clinically significant, and that variants that disrupt this residue are likely to be disease-causing. In summary, the currently available evidence indicates that the variant is pathogenic, but additional data are needed to prove that conclusively. Therefore, this variant has been classified as Likely Pathogenic.

Counsyl
Classification: Uncertain significance for Smith-Lemli-Opitz syndrome. Last evaluated: 2018-05-22. Review status: no assertion criteria provided. Collection method: clinical testing. Allele origin: unknown. Not counted in ClinVar's aggregate classification.

Literature cited by the submitters: PubMed 15896653 (cited by Labcorp Genetics (formerly Invitae), Labcorp); PubMed 9653161 (cited by Labcorp Genetics (formerly Invitae), Labcorp); PubMed 12818773 (cited by Labcorp Genetics (formerly Invitae), Labcorp); PubMed 10677299 (cited by Labcorp Genetics (formerly Invitae), Labcorp).

NM_001360.3(DHCR7):c.1210C>G (p.Arg404Gly)

Gene: DHCR7 (7-dehydrocholesterol reductase; minus strand). Cytogenetic location: 11q13.4.
Variant type: single nucleotide variant.
Coding change: c.1210C>G on transcript NM_001360.3 (MANE Select); coding-DNA position 1210, C replaced by G.
Protein change: p.Arg404Gly; replaces arginine 404 with glycine.
Molecular consequence: missense variant.
Genome position (GRCh38, 1-based): chr11:71,435,593, G>C on the plus strand (C>G on the coding strand, the complement: DHCR7 is on the minus strand). VCF-style: chr11-71435593-G-C. GRCh37 (hg19) VCF-style: chr11-71146639-G-C.
Other names: c.1210C>G, p.Arg404Gly (NM_001163817.2); short protein forms R404G.
Identifiers: ClinVar variation 558447 (VCV000558447.12), dbSNP rs61757582, ClinGen allele CA381701468.
Genomic context (GRCh38, chr11:71,435,593, plus strand): 5'-CGCCACAGGCCAGGCAGTAGGCCAGGCTGCCCATCAGGTCGCCGACGTAGTTGAAGTGGC[G>C]GGCCACGCCCCAGAAGCCCGACACCAGCAGCTTGCTGTGGTGCCTCTGCCCATCGGCGGA-3'
Protein context (NP_001351.2, residues 394-414): LLVSGFWGVA[Arg404Gly]HFNYVGDLMG